The following is an entry in ClinVar:

NM_001291303.3(FAT4):c.6164A>C (p.Lys2055Thr)

Gene: FAT4 (FAT atypical cadherin 4; plus strand). Cytogenetic location: 4q28.1.
Variant type: single nucleotide variant.
Coding change: c.6164A>C on transcript NM_001291303.3 (MANE Select); coding-DNA position 6164, A replaced by C.
Protein change: p.Lys2055Thr; replaces lysine 2055 with threonine.
Molecular consequence: missense variant.
Genome position (GRCh38, 1-based): chr4:125,415,127, A>C. VCF-style: chr4-125415127-A-C. GRCh37 (hg19) VCF-style: chr4-126336282-A-C.
Other names: c.6164A>C, p.Lys2055Thr (NM_001291285.3, NM_024582.6); short protein forms K2055T.
Identifiers: ClinVar variation 3664395 (VCV003664395.2).

ClinVar aggregate classification (germline): Uncertain significance (1 of 4 stars; one submission).

Submission:

Labcorp Genetics (formerly Invitae), Labcorp
Classification: Uncertain significance. Last evaluated: 2024-09-03. Review status: criteria provided, single submitter. Criteria: Invitae Variant Classification Sherloc (09022015). Collection method: clinical testing. Allele origin: germline.
Comment: This sequence change replaces lysine, which is basic and polar, with threonine, which is neutral and polar, at codon 2055 of the FAT4 protein (p.Lys2055Thr). This variant is not present in population databases (gnomAD no frequency). This variant has not been reported in the literature in individuals affected with FAT4-related conditions. Invitae Evidence Modeling of protein sequence and biophysical properties (such as structural, functional, and spatial information, amino acid conservation, physicochemical variation, residue mobility, and thermodynamic stability) indicates that this missense variant is not expected to disrupt FAT4 protein function with a negative predictive value of 80%. In summary, the available evidence is currently insufficient to determine the role of this variant in disease. Therefore, it has been classified as a Variant of Uncertain Significance.